The following is an entry in ClinVar:

NM_006231.4(POLE):c.4969A>G (p.Ile1657Val)

Gene: POLE (DNA polymerase epsilon, catalytic subunit; minus strand). Cytogenetic location: 12q24.33.
Variant type: single nucleotide variant.
Coding change: c.4969A>G on transcript NM_006231.4 (MANE Select); coding-DNA position 4969, A replaced by G.
Protein change: p.Ile1657Val; replaces isoleucine 1657 with valine.
Molecular consequence: missense variant.
Genome position (GRCh38, 1-based): chr12:132,642,381, T>C on the plus strand (A>G on the coding strand, the complement: POLE is on the minus strand). VCF-style: chr12-132642381-T-C. GRCh37 (hg19) VCF-style: chr12-133218967-T-C.
Other names: short protein forms I1657V.
Identifiers: ClinVar variation 2177559 (VCV002177559.4), dbSNP rs1198380388, ClinGen allele CA387377637.
Genomic context (GRCh38, chr12:132,642,381, plus strand): 5'-GGTGGCGGGCAAAGAAGAGGTCGGAGCCGAATGTGGAGATGTCCTCTGGTAGGTTCCCAA[T>C]GGGAATGTGAAAGTACCTGCACCAGGGCACAGGTCAGCACCGGGGCACATCGCCGGGTCA-3'
Protein context (NP_006222.2, residues 1647-1667): FEMSRYFHIP[Ile1657Val]GNLPEDISTF

ClinVar aggregate classification (germline): Uncertain significance (1 of 4 stars; one submission).

Allele frequency attached by ClinVar (database versions not stated): gnomAD exomes below 0.00001; TOPMed below 0.00001; gnomAD 0.00001.
gnomAD v4.1: 3 of 1,578,318 alleles (0.00019%); highest among the groups gnomAD compares: African/African-American, 0.0013%; no homozygotes.

Submission:

Labcorp Genetics (formerly Invitae), Labcorp
Classification: Uncertain significance. Last evaluated: 2026-01-16. Review status: criteria provided, single submitter. Criteria: Invitae Variant Classification Sherloc (09022015). Collection method: clinical testing. Allele origin: germline.
Comment: This sequence change replaces isoleucine, which is neutral and non-polar, with valine, which is neutral and non-polar, at codon 1657 of the POLE protein (p.Ile1657Val). This variant is not present in population databases (gnomAD no frequency). This variant has not been reported in the literature in individuals affected with POLE-related conditions. ClinVar contains an entry for this variant (Variation ID: 2177559). Invitae Evidence Modeling of protein sequence and biophysical properties (such as structural, functional, and spatial information, amino acid conservation, physicochemical variation, residue mobility, and thermodynamic stability) indicates that this missense variant is not expected to disrupt POLE protein function with a negative predictive value of 80%. In summary, the available evidence is currently insufficient to determine the role of this variant in disease. Therefore, it has been classified as a Variant of Uncertain Significance.